The following is an entry in ClinVar:

NM_001042492.3(NF1):c.6307del (p.Leu2103fs)

Gene: NF1 (neurofibromin 1; plus strand). Cytogenetic location: 17q11.2.
Variant type: Deletion.
Coding change: c.6307del on transcript NM_001042492.3 (MANE Select); coding-DNA position 6307, one base deleted (C; older notation c.6307delC).
Protein change: p.Leu2103fs; shifts the reading frame from leucine 2103.
Molecular consequence: frameshift variant.
Genome position (GRCh38, 1-based): chr17:31,336,794, C deleted; the last of 2 consecutive C bases (chr17:31,336,793-31,336,794); deleting either gives the same sequence. VCF-style (leftmost placement, unchanged base first): chr17-31336792-AC-A. GRCh37 (hg19) VCF-style: chr17-29663810-AC-A.
Other names: c.6244delC (NM_000267.3); c.6244delC, p.Leu2082Serfs (NM_000267.4); short protein forms L2103fs, L2082fs.
Identifiers: ClinVar variation 429005 (VCV000429005.8), dbSNP rs1131691125, ClinGen allele CA645369721.

ClinVar aggregate classification (germline): Pathogenic. Review status: criteria provided, multiple submitters, no conflicts (2 of 4 stars). 2 submissions from 2 submitters: Pathogenic (2). Last evaluated 2022-03-15.

Conditions:
Hereditary cancer-predisposing syndrome. Also called: Hereditary neoplastic syndrome; Tumor predisposition; Neoplastic Syndromes, Hereditary; Hereditary Cancer Syndrome. Identifiers: Orphanet 140162, MedGen C0027672, MeSH D009386, MONDO:0015356.
Cardiovascular phenotype. Identifiers: MedGen CN230736.
Neurofibromatosis, type 1 (NF1). Also called: Neurofibromatosis, type I; NEUROFIBROMATOSIS, TYPE I, SOMATIC; Peripheral type neurofibromatosis; VON RECKLINGHAUSEN DISEASE. Identifiers: Orphanet 636, MedGen C0027831, MONDO:0018975, OMIM 162200. Disease mechanism: loss of function.

Submissions (2):

Genome-Nilou Lab
Classification: Pathogenic for Neurofibromatosis, type 1. Last evaluated: 2022-03-15. Review status: criteria provided, single submitter. Criteria: ACMG Guidelines, 2015. Collection method: clinical testing. Allele origin: germline. Affected: no.

Ambry Genetics
Classification: Pathogenic for Cardiovascular phenotype; Hereditary cancer-predisposing syndrome. Last evaluated: 2016-08-01. Review status: criteria provided, single submitter. Criteria: Ambry Variant Classification Scheme 2023. Collection method: clinical testing. Allele origin: germline.
Comment: The c.6244delC pathogenic mutation, located in coding exon 41 of the NF1 gene, results from a deletion of one nucleotide at nucleotide position 6244, causing a translational frameshift with a predicted alternate stop codon. This alteration is expected to result in loss of function by premature protein truncation or nonsense-mediated mRNA decay. As such, this alteration is interpreted as a disease-causing mutation.